The following is an entry in ClinVar:

ClinVar aggregate classification (germline): Uncertain significance (1 of 4 stars; one submission).

Conditions:
Trichorhinophalangeal dysplasia type I (TRPS1). Also called: TRICHORHINOPHALANGEAL SYNDROME, TYPE I; TRPS I. Identifiers: Orphanet 77258, MedGen C0432233, MONDO:0008596, OMIM 190350.

Allele frequency attached by ClinVar (database versions not stated): TOPMed below 0.00001.

Submission:

Neuberg Centre For Genomic Medicine, NCGM
Classification: Uncertain significance for Trichorhinophalangeal dysplasia type I. Review status: criteria provided, single submitter. Criteria: ACMG Guidelines, 2015. Collection method: clinical testing. Allele origin: germline. Inheritance: Autosomal dominant inheritance. Affected: yes.
Comment: The observed missense variant c.812C>T(p.Ala271Val) in TRPS1 gene has not been reported previously as a pathogenic variant nor as a benign variant, to our knowledge. This variant is absent in the gnomAD Exomes. The amino acid Alanine at position 271 is changed to a Valine changing protein sequence and it might alter its composition and physico-chemical properties. The residue is conserved by GERP++ and PhyloP across 100 vertebrates. For these reasons, this variant has been classified as Uncertain Significance.

NM_014112.5(TRPS1):c.812C>T (p.Ala271Val)

Gene: TRPS1 (transcriptional repressor GATA binding 1; minus strand). Cytogenetic location: 8q23.3.
Variant type: single nucleotide variant.
Coding change: c.812C>T on transcript NM_014112.5 (MANE Select); coding-DNA position 812, C replaced by T.
Protein change: p.Ala271Val; replaces alanine 271 with valine.
Molecular consequence: missense variant.
Genome position (GRCh38, 1-based): chr8:115,619,286, G>A on the plus strand (C>T on the coding strand, the complement: TRPS1 is on the minus strand). VCF-style: chr8-115619286-G-A. GRCh37 (hg19) VCF-style: chr8-116631513-G-A.
Other names: c.785C>T, p.Ala262Val (NM_001282902.3); c.791C>T, p.Ala264Val (NM_001282903.3); c.773C>T, p.Ala258Val (NM_001330599.2); short protein forms A258V, A262V, A264V, A271V.
Identifiers: ClinVar variation 3242047 (VCV003242047.1), dbSNP rs1818333751.
Genomic context (GRCh38, chr8:115,619,286, plus strand): 5'-TCTTTGGAATGGCTGAACTGCACCATGTTATGAAGGGCCAAGATTTTGCTGTCCAGCTCA[G>A]CATCTTGCCTGGTGCGGTTATGCAGTCCTAAGTGATACTTTCGGAAGTGCTTAATCAGAT-3'
Protein context (NP_054831.2, residues 261-281): LGLHNRTRQD[Ala271Val]ELDSKILALH